The following is an entry in ClinVar:

NM_006767.4(LZTR1):c.2265G>T (p.Arg755=)

Gene: LZTR1 (leucine zipper like post translational regulator 1; plus strand). Cytogenetic location: 22q11.21.
Variant type: single nucleotide variant.
Coding change: c.2265G>T on transcript NM_006767.4 (MANE Select); coding-DNA position 2265, G replaced by T.
Protein change: p.Arg755=; no amino-acid change (arginine 755 retained).
Molecular consequence: synonymous variant.
Genome position (GRCh38, 1-based): chr22:20,996,741, G>T. VCF-style: chr22-20996741-G-T. GRCh37 (hg19) VCF-style: chr22-21351030-G-T.
Identifiers: ClinVar variation 1172893 (VCV001172893.15), dbSNP rs370009707, ClinGen allele CA10119325.

ClinVar aggregate classification (germline): Conflicting classifications of pathogenicity. Review status: criteria provided, conflicting classifications (1 of 4 stars). 5 submissions from 5 submitters: Uncertain significance (1); Likely benign (3). 1 of the submissions does not count toward it. Last evaluated 2025-12-13.

Conditions:
Hereditary cancer-predisposing syndrome. Also called: Neoplastic Syndromes, Hereditary; Hereditary Cancer Syndrome; Hereditary neoplastic syndrome; Tumor predisposition. Identifiers: Orphanet 140162, MedGen C0027672, MeSH D009386, MONDO:0015356.
Cardiovascular phenotype. Identifiers: MedGen CN230736.
LZTR1-related disorder. Also called: LZTR1-related disorders; LZTR1-related condition.

Allele frequency attached by ClinVar (database versions not stated): gnomAD 0.00002; gnomAD exomes 0.00002 and 0.00005; TOPMed 0.00002; ESP Exome Variant Server 0.00008; ExAC 0.00002.
gnomAD v4.1: 69 of 1,613,396 alleles (0.0043%); highest among the groups gnomAD compares: Non-Finnish European, 0.0058%; no homozygotes.

Submissions (5):

Labcorp Genetics (formerly Invitae), Labcorp
Classification: Likely benign. Last evaluated: 2025-12-13. Review status: criteria provided, single submitter. Criteria: Invitae Variant Classification Sherloc (09022015). Collection method: clinical testing. Allele origin: germline.

GeneDx
Classification: Uncertain significance. Last evaluated: 2024-06-30. Review status: criteria provided, single submitter. Criteria: GeneDx Variant Classification Process June 2021. Collection method: clinical testing. Allele origin: germline.
Comment: Not observed at significant frequency in large population cohorts (gnomAD); Has not been previously published as pathogenic or benign to our knowledge; In silico analysis suggests this variant may impact gene splicing. In the absence of RNA/functional studies, the actual effect of this sequence change is unknown

Women's Health and Genetics/Laboratory Corporation of America, LabCorp
Classification: Likely benign. Last evaluated: 2021-05-23. Review status: criteria provided, single submitter. Criteria: LabCorp Variant Classification Summary - May 2015. Collection method: clinical testing. Allele origin: germline.

Ambry Genetics
Classification: Likely benign for Cardiovascular phenotype; Hereditary cancer-predisposing syndrome. Last evaluated: 2020-12-08. Review status: criteria provided, single submitter. Criteria: Ambry Variant Classification Scheme 2023. Collection method: clinical testing. Allele origin: germline.

PreventionGenetics, part of Exact Sciences
Classification: Likely benign for LZTR1-related condition. Last evaluated: 2020-08-25. Review status: no assertion criteria provided. Collection method: clinical testing. Allele origin: germline. Not counted in ClinVar's aggregate classification.
Comment: This variant is classified as likely benign based on ACMG/AMP sequence variant interpretation guidelines (Richards et al. 2015 PMID: 25741868, with internal and published modifications).